The following is an entry in ClinVar:

ClinVar aggregate classification (germline): Uncertain significance. Review status: criteria provided, multiple submitters, no conflicts (2 of 4 stars). 11 submissions from 11 submitters: Uncertain significance (9). 2 of the submissions do not count toward it. Last evaluated 2026-07-01.

Conditions:
Glycogen storage disease, type II (IOPD). Also called: Glucosidase acid-1,4-alpha deficiency; GLYCOGENOSIS, GENERALIZED, CARDIAC FORM; GSD II; Glycogen storage disease type 2; Acid maltase deficiency disease; Aglucosidase alfa. Identifiers: Orphanet 365, MedGen C0017921, MONDO:0009290, OMIM 232300.

Allele frequency attached by ClinVar (database versions not stated): gnomAD 0.00001; gnomAD exomes 0.00001 and 0.00006; ExAC 0.00002; TOPMed 0.00002; ESP Exome Variant Server 0.00008; 1000 Genomes Project 0.00020; 1000 Genomes Project 30x 0.00031.

Submissions (11):

Genomenon, Inc
Classification: Uncertain significance for Glycogen storage disease, type II. Last evaluated: 2026-07-01. Review status: criteria provided, single submitter. Criteria: Genomenon Sequence Variant Interpretation Standards - Updated. Collection method: curation. Allele origin: germline. Affected: no.
Comment: GAA p.Val442Met (c.1324G>A) is a missense variant that changes the amino acid at codon 442 from Valine to Methionine. This variant has been reported in the published literature (PMID:34995642;30281819;33560568;31076647;21757382;21232767). It is absent or not present at a significant frequency in gnomAD. In conclusion, we classify GAA p.Val442Met (c.1324G>A) as a variant of uncertain significance.

CeGaT Center for Human Genetics Tuebingen
Classification: Uncertain significance. Last evaluated: 2024-11-01. Review status: criteria provided, single submitter. Criteria: CeGaT Center For Human Genetics Tuebingen Variant Classification Criteria Version 2. Collection method: clinical testing. Allele origin: germline. Affected: yes. Observed: 1 variant allele.
Comment: GAA: PM2

Blueprint Genetics
Classification: Uncertain significance. Last evaluated: 2024-10-22. Review status: criteria provided, single submitter. Criteria: ACMG Guidelines, 2015. Collection method: clinical testing. Allele origin: germline.

ARUP Laboratories, Molecular Genetics and Genomics, ARUP Laboratories
Classification: Uncertain significance for Glycogen storage disease, type II. Last evaluated: 2024-08-22. Review status: criteria provided, single submitter. Criteria: ARUP Molecular Germline Variant Investigation Process 2024. Collection method: clinical testing. Allele origin: germline.
Comment: The GAA c.1324G>A; p.Val442Met variant (rs377559348, ClinVar Variation ID: 497377) is reported in the literature in an individual affected with late onset Pompe disease that also carried a pseudodeficiency variant in cis with p.Val442Met and another GAA variant in trans (Chien 2011). This variant is only observed on three alleles in the Genome Aggregation Database (v2.1.1), indicating it is not a common polymorphism. Computational analyses are uncertain whether this variant is neutral or deleterious (REVEL: 0.692). Due to limited information, the clinical significance of this variant is uncertain at this time. References: Chien YH et al. Later-onset Pompe disease: early detection and early treatment initiation enabled by newborn screening. J Pediatr. 2011 Jun;158(6):1023-1027.e1. PMID: 21232767.

Revvity Omics, Revvity
Classification: Uncertain significance. Last evaluated: 2024-01-22. Review status: criteria provided, single submitter. Criteria: ACMG Guidelines, 2015. Collection method: clinical testing. Allele origin: germline.

Labcorp Genetics (formerly Invitae), Labcorp
Classification: Uncertain significance for Glycogen storage disease, type II. Last evaluated: 2022-10-06. Review status: criteria provided, single submitter. Criteria: Invitae Variant Classification Sherloc (09022015). Collection method: clinical testing. Allele origin: germline.
Comment: This sequence change replaces valine, which is neutral and non-polar, with methionine, which is neutral and non-polar, at codon 442 of the GAA protein (p.Val442Met). The frequency data for this variant in the population databases is considered unreliable, as metrics indicate poor data quality at this position in the gnomAD database. This missense change has been observed in individual(s) with Pompe disease (PMID: 21232767). In at least one individual the data is consistent with being in trans (on the opposite chromosome) from a pathogenic variant. ClinVar contains an entry for this variant (Variation ID: 497377). Algorithms developed to predict the effect of missense changes on protein structure and function are either unavailable or do not agree on the potential impact of this missense change (SIFT: "Deleterious"; PolyPhen-2: "Benign"; Align-GVGD: "Class C0"). Algorithms developed to predict the effect of sequence changes on RNA splicing suggest that this variant may disrupt the consensus splice site. In summary, the available evidence is currently insufficient to determine the role of this variant in disease. Therefore, it has been classified as a Variant of Uncertain Significance.

Genome-Nilou Lab
Classification: Uncertain significance for Glycogen storage disease, type II. Last evaluated: 2021-09-05. Review status: criteria provided, single submitter. Criteria: ACMG Guidelines, 2015. Collection method: clinical testing. Allele origin: germline. Affected: no.

Broad Center for Mendelian Genomics, Broad Institute of MIT and Harvard
Classification: Uncertain significance for Glycogen storage disease, type II. Last evaluated: 2020-01-22. Review status: criteria provided, single submitter. Criteria: ACMG Guidelines, 2015. Collection method: curation. Allele origin: germline. Inheritance: Autosomal recessive inheritance.
Comment: The p.Val442Met variant in GAA has been reported in 1 individual with Glycogen Storage Disease II in a newborn screening program in Taiwan (PMID: 21232767). This variant has been identified in 0.008% (1/12176) of African chromosomes and 0.002% (2/87210) of European (non-Finnish) chromosomes by the Genome Aggregation Database (gnomAD; dbSNP rs377559348). Although this variant has been seen in the general population, its frequency is low enough to be consistent with a recessive carrier frequency. This variant has also been reported as a VUS by Counsyl, Invitae, and EGL Genetic Diagnostics in ClinVar (Variation ID: 497377). In vitro functional studies provide some evidence that the p.Val442Met variant may not be pathogenic and result in a false-positive for Glycogen Storage Disease II screening in the presence of the known pseudodeficiency allele p.Gly576Ser (PMID: 23632029). The pseudodeficiency allele was seen in cis with the p.Val442Met variant in the proband discovered via newborn screening (PMID: 21232767). However, these types of assays may not accurately represent biological function. Computational prediction tools and conservation analyses do not provide strong support for or against an impact to the protein. This variant was reported in combination with a reported likely pathogenic variant, p.Gly615Arg, and in an individual with Glycogen Storage Disease II (Variation ID: 188786). In summary, the clinical significance of the p.Val442Met variant is uncertain. ACMG/AMP Criteria applied: PM2, BS3_Supporting (Richards 2015).

Eurofins Ntd Llc (ga)
Classification: Uncertain significance. Last evaluated: 2016-10-06. Review status: criteria provided, single submitter. Criteria: EGL Classification Definitions 2015. Collection method: clinical testing. Allele origin: germline. Observed: 1 variant allele, 1 heterozygote.

Natera, Inc.
Classification: Uncertain significance for Glycogen storage disease type II. Last evaluated: 2020-09-16. Review status: no assertion criteria provided. Collection method: clinical testing. Allele origin: germline. Not counted in ClinVar's aggregate classification.

Counsyl
Classification: Uncertain significance for Glycogen storage disease, type II. Last evaluated: 2017-08-11. Review status: no assertion criteria provided. Collection method: clinical testing. Allele origin: unknown. Not counted in ClinVar's aggregate classification.

Literature cited by the submitters: PubMed 34995642 (cited by Genomenon, Inc); PubMed 30281819 (cited by Genomenon, Inc); PubMed 33560568 (cited by Genomenon, Inc); PubMed 31076647 (cited by Genomenon, Inc); PubMed 21757382 (cited by Genomenon, Inc); PubMed 21232767 (cited by 3 submitters); PubMed 23632029 (cited by Broad Center for Mendelian Genomics, Broad Institute of MIT and Harvard and Counsyl).

NM_000152.5(GAA):c.1324G>A (p.Val442Met)

Gene: GAA (alpha glucosidase; plus strand). Cytogenetic location: 17q25.3.
Variant type: single nucleotide variant.
Coding change: c.1324G>A on transcript NM_000152.5 (MANE Select); coding-DNA position 1324, G replaced by A.
Protein change: p.Val442Met; replaces valine 442 with methionine.
Molecular consequence: missense variant.
Genome position (GRCh38, 1-based): chr17:80,108,826, G>A. VCF-style: chr17-80108826-G-A. GRCh37 (hg19) VCF-style: chr17-78082625-G-A.
Other names: c.1324G>A (LRG_673t1); c.1324G>A, p.Val442Met (NM_001079803.3, NM_001079804.3); short protein forms V442M.
Identifiers: ClinVar variation 497377 (VCV000497377.35), dbSNP rs377559348, ClinGen allele CA8815262.
Genomic context (GRCh38, chr17:80,108,826, plus strand): 5'-CGGGACTTCCCGGCCATGGTGCAGGAGCTGCACCAGGGCGGCCGGCGCTACATGATGATC[G>A]TGGTGTGTGCCCCCACACTGTGGGTCTTTGGGAAGGGGGCCGCCCGGTGCCCAGTGGCTC-3'
Protein context (NP_000143.2, residues 432-452): HQGGRRYMMI[Val442Met]DPAISSSGPA